The following is an entry in ClinVar:

NM_138704.4(NSMCE3):c.285C>T (p.Phe95=)

Genes: ENTREP2 (endosomal transmembrane epsin interactor 2; minus strand), NSMCE3 (NSE3 component of SMC5/6 complex; minus strand). Cytogenetic location: 15q13.1.
Variant type: single nucleotide variant.
Coding change: c.285C>T on transcript NM_138704.4 (MANE Select); coding-DNA position 285, C replaced by T.
Protein change: p.Phe95=; no amino-acid change (phenylalanine 95 retained).
Molecular consequence: synonymous variant. On other transcripts: intron variant (5).
Genome position (GRCh38, 1-based): chr15:29,269,421, G>A on the plus strand (C>T on the coding strand, the complement: NSMCE3 is on the minus strand). VCF-style: chr15-29269421-G-A. GRCh37 (hg19) VCF-style: chr15-29561625-G-A.
Other names: c.-12-16943C>T (NM_001387217.1, NM_001387215.1, NM_001387216.1); c.277-16943C>T (NM_001387214.1, NM_015307.2).
Identifiers: ClinVar variation 739952 (VCV000739952.11), dbSNP rs772324482, ClinGen allele CA7446174.

ClinVar aggregate classification (germline): Likely benign. Review status: criteria provided, multiple submitters, no conflicts (2 of 4 stars). 3 submissions from 3 submitters: Likely benign (2). 1 of the submissions does not count toward it. Last evaluated 2025-11-16.

Conditions:
NSMCE3-related disorder. Also called: NSMCE3-related condition.

Allele frequency attached by ClinVar (database versions not stated): ExAC 0.00003; gnomAD exomes 0.00007; gnomAD 0.00012 and 0.00014; TOPMed 0.00029.
gnomAD v4.1: 83 of 1,614,150 alleles (0.0051%); highest among the groups gnomAD compares: Middle Eastern, 0.12%; no homozygotes.

Submissions (3):

Labcorp Genetics (formerly Invitae), Labcorp
Classification: Likely benign. Last evaluated: 2025-11-16. Review status: criteria provided, single submitter. Criteria: Invitae Variant Classification Sherloc (09022015). Collection method: clinical testing. Allele origin: germline.

Blueprint Genetics
Classification: Likely benign. Last evaluated: 2024-06-07. Review status: criteria provided, single submitter. Criteria: ACMG Guidelines, 2015. Collection method: clinical testing. Allele origin: germline.

PreventionGenetics, part of Exact Sciences
Classification: Likely benign for NSMCE3-related condition. Last evaluated: 2019-02-19. Review status: no assertion criteria provided. Collection method: clinical testing. Allele origin: germline. Not counted in ClinVar's aggregate classification.
Comment: This variant is classified as likely benign based on ACMG/AMP sequence variant interpretation guidelines (Richards et al. 2015 PMID: 25741868, with internal and published modifications).